The following is an entry in ClinVar:

ClinVar aggregate classification (germline): Uncertain significance. Review status: criteria provided, multiple submitters, no conflicts (2 of 4 stars). 3 submissions from 3 submitters: Uncertain significance (3). Last evaluated 2024-04-03.

Conditions:
Kabuki syndrome 2 (KABUK2). Also called: KDM6A-Related Kabuki Syndrome. Identifiers: Orphanet 2322, MedGen C3275495, MONDO:0010465, OMIM 300867.
KDM6A-related disorder. Also called: KDM6A-related condition.

Allele frequency attached by ClinVar (database versions not stated): gnomAD exomes below 0.00001; gnomAD 0.00001; TOPMed 0.00002.
gnomAD v4.1: 3 of 1,208,972 alleles (0.00025%); highest among the groups gnomAD compares: African/African-American, 0.0017%; no homozygotes.

Submissions (3):

Labcorp Genetics (formerly Invitae), Labcorp
Classification: Uncertain significance for Kabuki syndrome 2. Last evaluated: 2024-04-03. Review status: criteria provided, single submitter. Criteria: Invitae Variant Classification Sherloc (09022015). Collection method: clinical testing. Allele origin: germline.
Comment: This sequence change replaces histidine, which is basic and polar, with arginine, which is basic and polar, at codon 875 of the KDM6A protein (p.His875Arg). This variant is not present in population databases (gnomAD no frequency). This variant has not been reported in the literature in individuals affected with KDM6A-related conditions. ClinVar contains an entry for this variant (Variation ID: 2635983). Advanced modeling of protein sequence and biophysical properties (such as structural, functional, and spatial information, amino acid conservation, physicochemical variation, residue mobility, and thermodynamic stability) performed at Invitae indicates that this missense variant is not expected to disrupt KDM6A protein function with a negative predictive value of 80%. In summary, the available evidence is currently insufficient to determine the role of this variant in disease. Therefore, it has been classified as a Variant of Uncertain Significance.

PreventionGenetics, part of Exact Sciences
Classification: Uncertain significance for KDM6A-related condition. Last evaluated: 2022-08-29. Review status: criteria provided, single submitter. Criteria: ACMG Guidelines, 2015. Collection method: clinical testing. Allele origin: germline.
Comment: The KDM6A c.2624A>G variant is predicted to result in the amino acid substitution p.His875Arg. To our knowledge, this variant has not been reported in the literature or in a large population database, indicating this variant is rare. At this time, the clinical significance of this variant is uncertain due to the absence of conclusive functional and genetic evidence.

Blueprint Genetics
Classification: Uncertain significance. Last evaluated: 2020-09-07. Review status: criteria provided, single submitter. Criteria: ACMG Guidelines, 2015. Collection method: clinical testing. Allele origin: germline.

NM_001291415.2(KDM6A):c.2780A>G (p.His927Arg)

Gene: KDM6A (lysine demethylase 6A; plus strand). Cytogenetic location: Xp11.3.
Variant type: single nucleotide variant.
Coding change: c.2780A>G on transcript NM_001291415.2 (MANE Select); coding-DNA position 2780, A replaced by G.
Protein change: p.His927Arg; replaces histidine 927 with arginine.
Molecular consequence: missense variant. On other transcripts: non-coding transcript variant (1).
Genome position (GRCh38, 1-based): chrX:45,070,279, A>G. VCF-style: chrX-45070279-A-G. GRCh37 (hg19) VCF-style: chrX-44929524-A-G.
Other names: c.2645A>G, p.His882Arg (NM_001291416.2, NM_001419811.1); c.2489A>G, p.His830Arg (NM_001291417.2); c.2387A>G, p.His796Arg (NM_001291418.2, NM_001419815.1); c.1736A>G, p.His579Arg (NM_001291421.2); c.2522A>G, p.His841Arg (NM_001410742.1, NM_001419814.1); c.2780A>G, p.His927Arg (NM_001419809.1); c.2678A>G, p.His893Arg (NM_001419810.1, NM_001419813.1); c.2624A>G, p.His875Arg (NM_001419812.1, NM_021140.4); short protein forms H579R, H796R, H830R, H841R, H875R, H882R, H893R, H927R.
Identifiers: ClinVar variation 2635983 (VCV002635983.4), dbSNP rs2044758499, ClinGen allele CA412795941.
Genomic context (GRCh38, chrX:45,070,279, plus strand): 5'-ATGGAGAAGGGATGGAAGAATCTCAGAGCCCCATGAAAACAGATCTGCTTCTGGTTAACC[A>G]CAAACCTAGTCCACAGATCATACCATCAATGTCTGTGTCCATATACCCCAGCTCAGCAGA-3'
Protein context (NP_001278344.1, residues 917-937): PMKTDLLLVN[His927Arg]KPSPQIIPSM